The following is an entry in ClinVar:

GRCh38/hg38 9p24.3(chr9:204193-1516367)x1

Genes: DMRT1 (doublesex and mab-3 related transcription factor 1; plus strand), DMRT2 (doublesex and mab-3 related transcription factor 2; plus strand), DMRT3 (doublesex and mab-3 related transcription factor 3; plus strand), DOCK8 (dedicator of cytokinesis 8; plus strand), DOCK8-AS1 (DOCK8 antisense RNA 1; minus strand) and 25 more. Cytogenetic location: 9p24.3.
Variant type: copy number loss.
Change: copy number 1 (one copy instead of two) of chr9:204,193-1,516,367 (1.31 Mb, GRCh38 coordinates, 1-based), cytogenetic band 9p24.3.
Identifiers: ClinVar variation 57026 (VCV000057026.1).

ClinVar aggregate classification (germline): Uncertain significance (1 of 4 stars; one submission).

Submission:

ISCA site 4
Classification: Uncertain significance. Last evaluated: 2011-08-12. Review status: criteria provided, single submitter. Criteria: Kaminsky et al. (Genet Med. 2011). Collection method: clinical testing. Allele origin: unknown. Affected: yes. Observed: 1 variant allele.
Comment: Copy number variation identified through the course of routine clinical cytogenomic testing in postnatal populations. Clinical assertions have been curated as described in Kaminsky et al. 2011.